The following is an entry in ClinVar:

NM_001165963.4(SCN1A):c.5008T>C (p.Leu1670=)

Genes: SCN1A (sodium voltage-gated channel alpha subunit 1; minus strand), LOC102724058 (uncharacterized LOC102724058; plus strand). Cytogenetic location: 2q24.3.
Variant type: single nucleotide variant.
Coding change: c.5008T>C on transcript NM_001165963.4 (MANE Select); coding-DNA position 5008, T replaced by C.
Protein change: p.Leu1670=; no amino-acid change (leucine 1670 retained).
Molecular consequence: synonymous variant. On other transcripts: non-coding transcript variant (1).
Genome position (GRCh38, 1-based): chr2:165,992,267, A>G on the plus strand (T>C on the coding strand, the complement: SCN1A is on the minus strand). VCF-style: chr2-165992267-A-G. GRCh37 (hg19) VCF-style: chr2-166848777-A-G.
Other names: c.4924T>C, p.Leu1642= (NM_001165964.3, NM_001353957.2, NM_001353958.2); c.5008T>C, p.Leu1670= (NM_001202435.3, NM_001353948.2); c.4975T>C, p.Leu1659= (NM_001353949.2, NM_001353950.2, NM_001353951.2 and 2 more transcripts); c.4972T>C, p.Leu1658= (NM_001353954.2, NM_001353955.2); c.4921T>C, p.Leu1641= (NM_001353960.2); c.2566T>C, p.Leu856= (NM_001353961.2).
Identifiers: ClinVar variation 2085632 (VCV002085632.31), dbSNP rs1689333436, ClinGen allele CA429975899.

ClinVar aggregate classification (germline): Conflicting classifications of pathogenicity. Review status: criteria provided, conflicting classifications (1 of 4 stars). 3 submissions from 3 submitters: Uncertain significance (1); Likely benign (2). Last evaluated 2025-02-24.

Conditions:
Early-infantile DEE. Also called: Early infantile epileptic encephalopathy; Ohtahara syndrome; Early infantile epileptic encephalopathy with suppression bursts. Identifiers: Orphanet 1934, MedGen C0393706, MONDO:0800491.

Allele frequency attached by ClinVar (database versions not stated): gnomAD 0.00001; TOPMed 0.00001.
gnomAD v4.1: 2 of 1,613,746 alleles (0.00012%); highest among the groups gnomAD compares: Admixed American, 0.0017%; no homozygotes.

Submissions (3):

Labcorp Genetics (formerly Invitae), Labcorp
Classification: Likely benign for Early-infantile DEE. Last evaluated: 2025-02-24. Review status: criteria provided, single submitter. Criteria: Invitae Variant Classification Sherloc (09022015). Collection method: clinical testing. Allele origin: germline.

CeGaT Center for Human Genetics Tuebingen
Classification: Likely benign. Last evaluated: 2022-08-01. Review status: criteria provided, single submitter. Criteria: CeGaT Center For Human Genetics Tuebingen Variant Classification Criteria Version 2. Collection method: clinical testing. Allele origin: germline. Affected: yes. Observed: 1 variant allele.
Comment: SCN1A: BP4, BP7

Revvity Omics, Revvity
Classification: Uncertain significance. Last evaluated: 2020-06-25. Review status: criteria provided, single submitter. Criteria: ACMG Guidelines, 2015. Collection method: clinical testing. Allele origin: germline.